The following is an entry in ClinVar:

NM_001854.4(COL11A1):c.1682A>T (p.Gln561Leu)

Gene: COL11A1 (collagen type XI alpha 1 chain; minus strand). Cytogenetic location: 1p21.1.
Variant type: single nucleotide variant.
Coding change: c.1682A>T on transcript NM_001854.4 (MANE Select); coding-DNA position 1682, A replaced by T.
Protein change: p.Gln561Leu; replaces glutamine 561 with leucine.
Molecular consequence: missense variant. On other transcripts: non-coding transcript variant (1).
Genome position (GRCh38, 1-based): chr1:103,008,464, T>A on the plus strand (A>T on the coding strand, the complement: COL11A1 is on the minus strand). VCF-style: chr1-103008464-T-A. GRCh37 (hg19) VCF-style: chr1-103474020-T-A.
Other names: c.1565A>T, p.Gln522Leu (NM_001190709.2); c.1718A>T, p.Gln573Leu (NM_080629.3); c.1334A>T, p.Gln445Leu (NM_080630.4); short protein forms Q445L, Q522L, Q561L, Q573L.
Identifiers: ClinVar variation 4996255 (VCV004996255.1).

ClinVar aggregate classification (germline): Uncertain significance (1 of 4 stars; one submission).

Conditions:
COL11A1-related disorder. Also called: COL11A1-related condition; COL11A1-related disorders.

Submission:

PreventionGenetics, part of Exact Sciences
Classification: Uncertain significance for COL11A1-related condition. Last evaluated: 2026-07-14. Review status: criteria provided, single submitter. Criteria: ACMG Guidelines, 2015. Collection method: clinical testing. Allele origin: germline.
Comment: The COL11A1 c.1682A>T variant is predicted to result in the amino acid substitution p.Gln561Leu. To our knowledge, this variant has not been reported in the literature or in a large population database (gnomAD), indicating this variant is rare. At this time, the clinical significance of this variant is uncertain due to the absence of conclusive functional and genetic evidence.